The following is an entry in ClinVar:

ClinVar aggregate classification (germline): Pathogenic (1 of 4 stars; one submission).

Conditions:
Metachromatic leukodystrophy (MLD). Also called: ARSA DEFICIENCY; CEREBROSIDE SULFATASE DEFICIENCY; METACHROMATIC LEUKOENCEPHALOPATHY; SULFATIDE LIPIDOSIS; Cerebral sclerosis diffuse metachromatic form; Arylsulfatase A Deficiency. Identifiers: Orphanet 512, MedGen C0023522, MONDO:0018868, OMIM 250100.

Submission:

Myriad Genetics, Inc.
Classification: Pathogenic for Metachromatic leukodystrophy. Last evaluated: 2023-09-27. Review status: criteria provided, single submitter. Criteria: Myriad Autosomal Dominant, Autosomal Recessive and X-Linked Classification Criteria (2023). Collection method: clinical testing. Allele origin: unknown.
Comment: NM_000487.5(ARSA):c.425dupG(F143Lfs*33) is expected to be pathogenic in the context of metachromatic leukodystrophy. This variant is predicted to lead to an abnormal or absent protein product due to the creation of a premature termination codon in ARSA, a gene where loss-of-function variants are known to be pathogenic. Please note: this variant was assessed in the context of healthy population screening.

NM_000487.6(ARSA):c.425dup (p.Phe143fs)

Gene: ARSA (arylsulfatase A; minus strand). Cytogenetic location: 22q13.33.
Variant type: Duplication.
Coding change: c.425dup on transcript NM_000487.6 (MANE Select); coding-DNA position 425, one base duplicated (G; older notation c.425dupG).
Protein change: p.Phe143fs; shifts the reading frame from phenylalanine 143.
Molecular consequence: frameshift variant.
Genome position (GRCh38, 1-based): chr22:50,627,206, C duplicated on the plus strand (G on the coding strand, the reverse complement: ARSA is on the minus strand); the first of 3 consecutive C bases (chr22:50,627,206-50,627,208); duplicating any one gives the same sequence. VCF-style (leftmost placement, unchanged base first): chr22-50627205-G-GC. GRCh37 (hg19) VCF-style: chr22-51065633-G-GC.
Other names: c.425dup, p.Phe143fs (NM_001085425.3, NM_001085426.3, NM_001085427.3); c.167dup, p.Phe57fs (NM_001085428.3, NM_001362782.2); short protein forms F143fs, F57fs.
Identifiers: ClinVar variation 5012200 (VCV005012200.1).